The following is an entry in ClinVar:

NM_015335.5(MED13L):c.5234A>G (p.Gln1745Arg)

Gene: MED13L (mediator complex subunit 13L; minus strand). Cytogenetic location: 12q24.21.
Variant type: single nucleotide variant.
Coding change: c.5234A>G on transcript NM_015335.5 (MANE Select); coding-DNA position 5234, A replaced by G.
Protein change: p.Gln1745Arg; replaces glutamine 1745 with arginine.
Molecular consequence: missense variant.
Genome position (GRCh38, 1-based): chr12:115,980,880, T>C on the plus strand (A>G on the coding strand, the complement: MED13L is on the minus strand). VCF-style: chr12-115980880-T-C. GRCh37 (hg19) VCF-style: chr12-116418685-T-C.
Other names: short protein forms Q1745R.
Identifiers: ClinVar variation 2446314 (VCV002446314.1), dbSNP rs1877281530, ClinGen allele CA386880565.

ClinVar aggregate classification (germline): Uncertain significance (1 of 4 stars; one submission).

gnomAD v4.1: 1 of 1,613,538 alleles (0.000062%); no homozygotes.

Submission:

GeneDx
Classification: Uncertain significance. Last evaluated: 2022-09-26. Review status: criteria provided, single submitter. Criteria: GeneDx Variant Classification Process June 2021. Collection method: clinical testing. Allele origin: germline. Affected: yes.
Comment: Not observed at significant frequency in large population cohorts (gnomAD); In silico analysis supports that this missense variant has a deleterious effect on protein structure/function; Has not been previously published as pathogenic or benign to our knowledge